The following is an entry in ClinVar:

NM_000815.5(GABRD):c.173G>A (p.Gly58Asp)

Gene: GABRD (gamma-aminobutyric acid type A receptor subunit delta; plus strand). Cytogenetic location: 1p36.33.
Variant type: single nucleotide variant.
Coding change: c.173G>A on transcript NM_000815.5 (MANE Select); coding-DNA position 173, G replaced by A.
Protein change: p.Gly58Asp; replaces glycine 58 with aspartic acid.
Molecular consequence: missense variant.
Genome position (GRCh38, 1-based): chr1:2,025,046, G>A. VCF-style: chr1-2025046-G-A. GRCh37 (hg19) VCF-style: chr1-1956485-G-A.
Other names: short protein forms G58D.
Identifiers: ClinVar variation 2077013 (VCV002077013.4), dbSNP rs2525626705, ClinGen allele CA337955767.

ClinVar aggregate classification (germline): Uncertain significance (1 of 4 stars; one submission).

Conditions:
Idiopathic generalized epilepsy. Also called: EIG; Generalised epilepsy. Identifiers: MedGen C0270850, MONDO:0005579, OMIM 600669.

Submission:

Labcorp Genetics (formerly Invitae), Labcorp
Classification: Uncertain significance for Idiopathic generalized epilepsy. Last evaluated: 2022-01-07. Review status: criteria provided, single submitter. Criteria: Invitae Variant Classification Sherloc (09022015). Collection method: clinical testing. Allele origin: germline.
Comment: In summary, the available evidence is currently insufficient to determine the role of this variant in disease. Therefore, it has been classified as a Variant of Uncertain Significance. Algorithms developed to predict the effect of missense changes on protein structure and function are either unavailable or do not agree on the potential impact of this missense change (SIFT: "Tolerated"; PolyPhen-2: "Probably Damaging"; Align-GVGD: "Class C0"). This variant has not been reported in the literature in individuals affected with GABRD-related conditions. This variant is not present in population databases (gnomAD no frequency). This sequence change replaces glycine, which is neutral and non-polar, with aspartic acid, which is acidic and polar, at codon 58 of the GABRD protein (p.Gly58Asp).